The following is an entry in ClinVar:

ClinVar aggregate classification (germline): Uncertain significance (1 of 4 stars; one submission).

Conditions:
Hereditary cancer-predisposing syndrome. Also called: Neoplastic Syndromes, Hereditary; Tumor predisposition; Hereditary Cancer Syndrome; Hereditary neoplastic syndrome. Identifiers: Orphanet 140162, MedGen C0027672, MeSH D009386, MONDO:0015356.

Submission:

Ambry Genetics
Classification: Uncertain significance for Hereditary cancer-predisposing syndrome. Last evaluated: 2026-01-23. Review status: criteria provided, single submitter. Criteria: Ambry Variant Classification Scheme 2023. Collection method: clinical testing. Allele origin: germline.
Comment: The p.S454R variant (also known as c.1362T>G), located in coding exon 9 of the BRCA1 gene, results from a T to G substitution at nucleotide position 1362. The serine at codon 454 is replaced by arginine, an amino acid with dissimilar properties. This amino acid position is not well conserved in available vertebrate species. In addition, the in silico prediction for this alteration is inconclusive. Based on the available evidence, the clinical significance of this variant remains unclear.

NM_007294.4(BRCA1):c.1362T>G (p.Ser454Arg)

Gene: BRCA1 (BRCA1 DNA repair associated; minus strand). Cytogenetic location: 17q21.31.
Variant type: single nucleotide variant.
Coding change: c.1362T>G on transcript NM_007294.4 (MANE Select); coding-DNA position 1362, T replaced by G.
Protein change: p.Ser454Arg; replaces serine 454 with arginine.
Molecular consequence: missense variant. On other transcripts: intron variant (137).
Genome position (GRCh38, 1-based): chr17:43,094,169, A>C on the plus strand (T>G on the coding strand, the complement: BRCA1 is on the minus strand). VCF-style: chr17-43094169-A-C. GRCh37 (hg19) VCF-style: chr17-41246186-A-C.
Other names: c.1218T>G, p.Ser406Arg (NM_001407746.1, NM_001407747.1, NM_001407748.1 and 20 more transcripts); c.1221T>G, p.Ser407Arg (NM_001407750.1, NM_001407751.1, NM_001407752.1 and 29 more transcripts); c.1149T>G, p.Ser383Arg (NM_001407571.1, NM_001407915.1, NM_001407916.1 and 9 more transcripts); c.1362T>G, p.Ser454Arg (NM_001407581.1, NM_001407582.1, NM_001407583.1 and 30 more transcripts); c.1359T>G, p.Ser453Arg (NM_001407587.1, NM_001407590.1, NM_001407591.1 and 22 more transcripts); c.1353T>G, p.Ser451Arg (NM_001407646.1, NM_001407647.1); c.1239T>G, p.Ser413Arg (NM_001407648.1, NM_001407666.1, NM_001407667.1 and 19 more transcripts); c.1236T>G, p.Ser412Arg (NM_001407649.1, NM_001407670.1, NM_001407671.1 and 11 more transcripts); and 40 more; short protein forms S383R, S407R, S412R, S413R, S326R, S343R, S366R, S386R.
Identifiers: ClinVar variation 4842665 (VCV004842665.1).